The following is an entry in ClinVar:

NM_015059.3(TLN2):c.3228C>T (p.Ser1076=)

Gene: TLN2 (talin 2; plus strand). Cytogenetic location: 15q22.2.
Variant type: single nucleotide variant.
Coding change: c.3228C>T on transcript NM_015059.3 (MANE Select); coding-DNA position 3228, C replaced by T.
Protein change: p.Ser1076=; no amino-acid change (serine 1076 retained).
Molecular consequence: synonymous variant.
Genome position (GRCh38, 1-based): chr15:62,725,077, C>T. VCF-style: chr15-62725077-C-T. GRCh37 (hg19) VCF-style: chr15-63017276-C-T.
Other names: c.3228C>T, p.Ser1076= (NM_001394547.1).
Identifiers: ClinVar variation 3905389 (VCV003905389.10).
Genomic context (GRCh38, chr15:62,725,077, plus strand): 5'-GAATACGGTGCAGACGCTTAAGAATGAACTGCAGGATGCCAAGATGGCAGCCGTGGAGAG[C>T]CAGCTGAAGCCACTTCCAGGGGAAACGGTGAGCTGTTAGAGCCAGCTGGGGTGCGGGTGT-3'
Protein context (NP_055874.2, residues 1066-1086): LQDAKMAAVE[Ser1076=]QLKPLPGETL

ClinVar aggregate classification (germline): Likely benign (1 of 4 stars; one submission).

gnomAD v4.1: 12 of 1,612,570 alleles (0.00074%); highest among the groups gnomAD compares: Middle Eastern, 0.017%; no homozygotes.

Submission:

CeGaT Center for Human Genetics Tuebingen
Classification: Likely benign. Last evaluated: 2025-05-01. Review status: criteria provided, single submitter. Criteria: CeGaT Center For Human Genetics Tuebingen Variant Classification Criteria Version 2. Collection method: clinical testing. Allele origin: germline. Affected: yes. Observed: 1 variant allele.
Comment: TLN2: BP4, BP7